The following is an entry in ClinVar:

NM_007255.3(B4GALT7):c.762_763del (p.Phe255fs)

Gene: B4GALT7 (beta-1,4-galactosyltransferase 7; plus strand). Cytogenetic location: 5q35.3.
Variant type: Deletion.
Coding change: c.762_763del on transcript NM_007255.3 (MANE Select); coding-DNA positions 762 to 763, 2 bases deleted (AT; older notation c.762_763delAT).
Protein change: p.Phe255fs; shifts the reading frame from phenylalanine 255.
Molecular consequence: frameshift variant.
Genome position (GRCh38, 1-based): chr5:177,608,948-177,608,949, AT deleted. VCF-style (leftmost placement, unchanged base first): chr5-177608947-CAT-C. GRCh37 (hg19) VCF-style: chr5-177035948-CAT-C.
Other names: c.762_763delAT (NM_007255.3); short protein forms F255fs.
Identifiers: ClinVar variation 2139658 (VCV002139658.7), dbSNP rs1383726308, ClinGen allele CA564519500.

ClinVar aggregate classification (germline): Conflicting classifications of pathogenicity. Review status: criteria provided, conflicting classifications (1 of 4 stars). 2 submissions from 2 submitters: Pathogenic (1); Uncertain significance (1). Last evaluated 2026-01-19.

Conditions:
Spondylodysplastic Ehlers-Danlos syndrome. Identifiers: Orphanet 536471, Orphanet 75496, MedGen C5680154, MONDO:0007526.

Allele frequency attached by ClinVar (database versions not stated): TOPMed below 0.00001; gnomAD 0.00001; gnomAD exomes 0.00001.

Submissions (2):

Women's Health and Genetics/Laboratory Corporation of America, LabCorp
Classification: Uncertain significance. Last evaluated: 2026-01-19. Review status: criteria provided, single submitter. Criteria: LabCorp Variant Classification Summary - May 2015. Collection method: clinical testing. Allele origin: germline.
Comment: Variant summary: B4GALT7 c.762_763delAT (p.Phe255SerfsX5) results in a premature termination codon, predicted to cause a truncation of the encoded protein or absence of the protein due to nonsense mediated decay, however current evidence is not sufficient to establish loss of function as a mechanism for disease. The variant allele was found at a frequency of 2.4e-05 in 250886 control chromosomes. The available data on variant occurrences in the general population are insufficient to allow any conclusion about variant significance. To our knowledge, no occurrence of c.762_763delAT in individuals affected with B4GALT7-related conditions and no experimental evidence demonstrating its impact on protein function have been reported. ClinVar contains an entry for this variant (Variation ID: 2139658). Based on the evidence outlined above, the variant was classified as uncertain significance.

Labcorp Genetics (formerly Invitae), Labcorp
Classification: Pathogenic for Spondylodysplastic Ehlers-Danlos syndrome. Last evaluated: 2025-09-15. Review status: criteria provided, single submitter. Criteria: Invitae Variant Classification Sherloc (09022015). Collection method: clinical testing. Allele origin: germline.
Comment: This sequence change creates a premature translational stop signal (p.Phe255Serfs*5) in the B4GALT7 gene. It is expected to result in an absent or disrupted protein product. Loss-of-function variants in B4GALT7 are known to be pathogenic (PMID: 26940150, 31614862, 38431799). This variant is present in population databases (no rsID available, gnomAD 0.03%). This variant has not been reported in the literature in individuals affected with B4GALT7-related conditions. ClinVar contains an entry for this variant (Variation ID: 2139658). For these reasons, this variant has been classified as Pathogenic.

Literature cited by the submitters: PubMed 26940150 (cited by Labcorp Genetics (formerly Invitae), Labcorp); PubMed 31614862 (cited by Labcorp Genetics (formerly Invitae), Labcorp); PubMed 38431799 (cited by Labcorp Genetics (formerly Invitae), Labcorp).